The following is an entry in ClinVar:

NM_002292.4(LAMB2):c.726C>T (p.Ile242=)

Gene: LAMB2 (laminin subunit beta 2; minus strand). Cytogenetic location: 3p21.31.
Variant type: single nucleotide variant.
Coding change: c.726C>T on transcript NM_002292.4 (MANE Select); coding-DNA position 726, C replaced by T.
Protein change: p.Ile242=; no amino-acid change (isoleucine 242 retained).
Molecular consequence: synonymous variant.
Genome position (GRCh38, 1-based): chr3:49,131,139, G>A on the plus strand (C>T on the coding strand, the complement: LAMB2 is on the minus strand). VCF-style: chr3-49131139-G-A. GRCh37 (hg19) VCF-style: chr3-49168572-G-A.
Identifiers: ClinVar variation 3061448 (VCV003061448.3), dbSNP rs777420317, ClinGen allele CA2394808.
Genomic context (GRCh38, chr3:49,131,139, plus strand): 5'-TGGGTCGAGTAGGTTGTCTCCCAACGTGTGTAGACGAGTCAGGTTCACCCGTAGGTTGGT[G>A]ATCTTCAACAGGTCTGAGGCGGGGGAAGGGGGGCCAACTGACCAGGCAGGCCCTTGCTGC-3'
Protein context (NP_002283.3, residues 232-252): YSSRIQNLLK[Ile242=]TNLRVNLTRL

ClinVar aggregate classification (germline): Likely benign. Review status: criteria provided, single submitter (1 of 4 stars). 2 submissions from 2 submitters: Likely benign (1). 1 of the submissions does not count toward it. Last evaluated 2025-03-27.

Conditions:
LAMB2-related disorder. Also called: LAMB2-related condition.
LAMB2-related infantile-onset nephrotic syndrome. Also called: Nephrotic Syndrome, type 5; NEPHROTIC SYNDROME, TYPE 5, WITHOUT OCULAR ABNORMALITIES; NEPHROTIC SYNDROME, TYPE 5, WITH OCULAR ABNORMALITIES. Identifiers: Orphanet 306507, MedGen C3280113, MONDO:0013621, OMIM 614199.
Pierson syndrome. Also called: MICROCORIA-CONGENITAL NEPHROTIC SYNDROME. Identifiers: Orphanet 2670, MedGen C1836876, MONDO:0012184, OMIM 609049.

Allele frequency attached by ClinVar (database versions not stated): ExAC 0.00001; gnomAD exomes 0.00001.

Submissions (2):

Labcorp Genetics (formerly Invitae), Labcorp
Classification: Likely benign for LAMB2-related infantile-onset nephrotic syndrome; Pierson syndrome. Last evaluated: 2025-03-27. Review status: criteria provided, single submitter. Criteria: Invitae Variant Classification Sherloc (09022015). Collection method: clinical testing. Allele origin: germline.

PreventionGenetics, part of Exact Sciences
Classification: Likely benign for LAMB2-related condition. Last evaluated: 2024-02-16. Review status: no assertion criteria provided. Collection method: clinical testing. Allele origin: germline. Not counted in ClinVar's aggregate classification.
Comment: This variant is classified as likely benign based on ACMG/AMP sequence variant interpretation guidelines (Richards et al. 2015 PMID: 25741868, with internal and published modifications).